The following is an entry in ClinVar:

NM_000540.3(RYR1):c.7007G>T (p.Arg2336Leu)

Gene: RYR1 (ryanodine receptor 1; plus strand). Cytogenetic location: 19q13.2.
Variant type: single nucleotide variant.
Coding change: c.7007G>T on transcript NM_000540.3 (MANE Select); coding-DNA position 7007, G replaced by T.
Protein change: p.Arg2336Leu; replaces arginine 2336 with leucine.
Molecular consequence: missense variant.
Genome position (GRCh38, 1-based): chr19:38,499,223, G>T. VCF-style: chr19-38499223-G-T. GRCh37 (hg19) VCF-style: chr19-38989863-G-T.
Other names: c.7007G>T, p.Arg2336Leu (NM_001042723.2); short protein forms R2336L.
Identifiers: ClinVar variation 2038577 (VCV002038577.4), dbSNP rs112563513, ClinGen allele CA405667456.

ClinVar aggregate classification (germline): Likely pathogenic (1 of 4 stars; one submission).

Conditions:
RYR1-related disorder. Also called: RYR1-related condition; RYR1-related disorders. Identifiers: MedGen CN239331.

Submission:

Labcorp Genetics (formerly Invitae), Labcorp
Classification: Likely pathogenic for RYR1-related disorder. Last evaluated: 2021-12-09. Review status: criteria provided, single submitter. Criteria: Invitae Variant Classification Sherloc (09022015). Collection method: clinical testing. Allele origin: germline.
Comment: This variant has not been reported in the literature in individuals affected with RYR1-related conditions. This variant is not present in population databases (gnomAD no frequency). This sequence change replaces arginine, which is basic and polar, with leucine, which is neutral and non-polar, at codon 2336 of the RYR1 protein (p.Arg2336Leu). Advanced modeling of protein sequence and biophysical properties (such as structural, functional, and spatial information, amino acid conservation, physicochemical variation, residue mobility, and thermodynamic stability) performed at Invitae indicates that this missense variant is expected to disrupt RYR1 protein function. In summary, the currently available evidence indicates that the variant is pathogenic, but additional data are needed to prove that conclusively. Therefore, this variant has been classified as Likely Pathogenic. This variant disrupts the p.Arg2336 amino acid residue in RYR1. Other variant(s) that disrupt this residue have been determined to be pathogenic (PMID: 19191329, 19648156, 21455645, 23736090). This suggests that this residue is clinically significant, and that variants that disrupt this residue are likely to be disease-causing.

Literature cited by the submitters: PubMed 19191329; PubMed 19648156; PubMed 21455645; PubMed 23736090.